The following is an entry in ClinVar:

NM_001379451.1(BCORL1):c.4995G>A (p.Met1665Ile)

Gene: BCORL1 (BCL6 corepressor like 1; plus strand). Cytogenetic location: Xq26.1.
Variant type: single nucleotide variant.
Coding change: c.4995G>A on transcript NM_001379451.1 (MANE Select); coding-DNA position 4995, G replaced by A.
Protein change: p.Met1665Ile; replaces methionine 1665 with isoleucine.
Molecular consequence: missense variant.
Genome position (GRCh38, 1-based): chrX:130,051,936, G>A. VCF-style: chrX-130051936-G-A. GRCh37 (hg19) VCF-style: chrX-129185911-G-A.
Other names: c.4773G>A, p.Met1591Ile (NM_021946.5); c.4995G>A, p.Met1665Ile (NM_001184772.3, NM_001379450.1); short protein forms M1591I, M1665I.
Identifiers: ClinVar variation 3360030 (VCV003360030.1).

ClinVar aggregate classification (germline): Uncertain significance (1 of 4 stars; one submission).

Submission:

GeneDx
Classification: Uncertain significance. Last evaluated: 2023-06-16. Review status: criteria provided, single submitter. Criteria: GeneDx Variant Classification Process June 2021. Collection method: clinical testing. Allele origin: germline. Affected: yes.
Comment: Not observed at significant frequency in large population cohorts (gnomAD); In silico analysis supports that this missense variant does not alter protein structure/function; Has not been previously published as pathogenic or benign to our knowledge